The following is an entry in ClinVar:

NM_001365999.1(SZT2):c.1625C>T (p.Pro542Leu)

Gene: SZT2 (SZT2 subunit of KICSTOR complex; plus strand). Cytogenetic location: 1p34.2.
Variant type: single nucleotide variant.
Coding change: c.1625C>T on transcript NM_001365999.1 (MANE Select); coding-DNA position 1625, C replaced by T.
Protein change: p.Pro542Leu; replaces proline 542 with leucine.
Molecular consequence: missense variant.
Genome position (GRCh38, 1-based): chr1:43,421,302, C>T. VCF-style: chr1-43421302-C-T. GRCh37 (hg19) VCF-style: chr1-43886973-C-T.
Other names: c.1625C>T, p.Pro542Leu (NM_015284.4); short protein forms P542L.
Identifiers: ClinVar variation 960554 (VCV000960554.11), dbSNP rs1262826738, ClinGen allele CA340008407.

ClinVar aggregate classification (germline): Uncertain significance. Review status: criteria provided, multiple submitters, no conflicts (2 of 4 stars). 2 submissions from 2 submitters: Uncertain significance (2). Last evaluated 2024-11-24.

Conditions:
Inborn genetic diseases. Identifiers: MedGen C0950123, MeSH D030342.

Allele frequency attached by ClinVar (database versions not stated): gnomAD exomes below 0.00001 and 0.00001.
gnomAD v4.1: 6 of 1,598,402 alleles (0.00038%); highest among the groups gnomAD compares: Non-Finnish European, 0.00042%; no homozygotes.

Submissions (2):

Ambry Genetics
Classification: Uncertain significance for Inborn genetic diseases. Last evaluated: 2024-11-24. Review status: criteria provided, single submitter. Criteria: Ambry Variant Classification Scheme 2023. Collection method: clinical testing. Allele origin: germline.

Labcorp Genetics (formerly Invitae), Labcorp
Classification: Uncertain significance. Last evaluated: 2024-05-15. Review status: criteria provided, single submitter. Criteria: Invitae Variant Classification Sherloc (09022015). Collection method: clinical testing. Allele origin: germline.
Comment: This sequence change replaces proline, which is neutral and non-polar, with leucine, which is neutral and non-polar, at codon 542 of the SZT2 protein (p.Pro542Leu). This variant is present in population databases (no rsID available, gnomAD 0.002%). This variant has not been reported in the literature in individuals affected with SZT2-related conditions. ClinVar contains an entry for this variant (Variation ID: 960554). An algorithm developed to predict the effect of missense changes on protein structure and function (PolyPhen-2) suggests that this variant is likely to be tolerated. In summary, the available evidence is currently insufficient to determine the role of this variant in disease. Therefore, it has been classified as a Variant of Uncertain Significance.